The following is an entry in ClinVar:

ClinVar aggregate classification (germline): Benign. Review status: criteria provided, single submitter (1 of 4 stars). 2 submissions from 1 submitter: Benign (2). Last evaluated 2018-01-13.

Conditions:
Gorlin syndrome. Also called: Basal cell nevus syndrome; Nevoid Basal Cell Carcinoma Syndrome. Identifiers: Orphanet 377, MedGen C0004779, MONDO:0007187.
Holoprosencephaly 7 (HPE7). Identifiers: Orphanet 2162, MedGen C1835820, MONDO:0012562, OMIM 610828.

Allele frequency attached by ClinVar (database versions not stated): TOPMed 0.00002; 1000 Genomes Project 0.00060; 1000 Genomes Project 30x 0.00062.
gnomAD v4.1: 21 of 492,686 alleles (0.0043%); highest among the groups gnomAD compares: East Asian, 0.068%; no homozygotes.

Submissions (2):

Illumina Laboratory Services, Illumina
Classification: Benign for Basal cell nevus syndrome 1. Last evaluated: 2018-01-13. Review status: criteria provided, single submitter. Criteria: ICSL Variant Classification Criteria 13 December 2019. Collection method: clinical testing. Allele origin: germline.
Comment: This variant was observed in the ICSL laboratory as part of a predisposition screen in an ostensibly healthy population. It had not been previously curated by ICSL or reported in the Human Gene Mutation Database (HGMD: prior to June 1st, 2018), and was therefore a candidate for classification through an automated scoring system. Utilizing variant allele frequency, disease prevalence and penetrance estimates, and inheritance mode, an automated score was calculated to assess if this variant is too frequent to cause the disease. Based on the score and internal cut-off values, a variant classified as benign is not then subjected to further curation. The score for this variant resulted in a classification of benign for this disease.

Illumina Laboratory Services, Illumina
Classification: Benign for Holoprosencephaly 7. Last evaluated: 2018-01-13. Review status: criteria provided, single submitter. Criteria: ICSL Variant Classification Criteria 13 December 2019. Collection method: clinical testing. Allele origin: germline.
Comment: the same text as in the submission from Illumina Laboratory Services, Illumina above.

NM_000264.5(PTCH1):c.*105G>A

Gene: PTCH1 (patched 1; minus strand). Cytogenetic location: 9q22.32.
Variant type: single nucleotide variant.
Coding change: c.*105G>A on transcript NM_000264.5 (MANE Select); 105 bases downstream of the stop codon, G replaced by A.
Molecular consequence: 3 prime UTR variant. On other transcripts: non-coding transcript variant (1).
Genome position (GRCh38, 1-based): chr9:95,446,288, C>T on the plus strand (G>A on the coding strand, the complement: PTCH1 is on the minus strand). VCF-style: chr9-95446288-C-T. GRCh37 (hg19) VCF-style: chr9-98208570-C-T.
Other names: c.*105G>A (NM_001083602.3, NM_001083603.3, NM_001083604.3 and 4 more transcripts).
Identifiers: ClinVar variation 912790 (VCV000912790.4), dbSNP rs142840663, ClinGen allele CA196556239.